The following is an entry in ClinVar:

ClinVar aggregate classification (germline): Uncertain significance. Review status: criteria provided, multiple submitters, no conflicts (2 of 4 stars). 2 submissions from 2 submitters: Uncertain significance (2). Last evaluated 2025-09-01.

Conditions:
Imerslund-Grasbeck syndrome. Also called: Imerslund-Gräsbeck syndrome; ENTEROCYTE COBALAMIN MALABSORPTION; ENTEROCYTE INTRINSIC FACTOR RECEPTOR, DEFECT OF; PERNICIOUS ANEMIA, JUVENILE, DUE TO SELECTIVE INTESTINAL MALABSORPTION OF VITAMIN B12, WITH PROTEINURIA; Megaloblastic anemia due to inborn errors of metabolism. Identifiers: Orphanet 35858, MedGen C4551825, MONDO:0009853.

Allele frequency attached by ClinVar (database versions not stated): gnomAD 0.00001; gnomAD exomes 0.00002 and 0.00004; ExAC 0.00007.
gnomAD v4.1: 28 of 1,613,896 alleles (0.0017%); highest among the groups gnomAD compares: South Asian, 0.031%; no homozygotes.

Submissions (2):

CeGaT Center for Human Genetics Tuebingen
Classification: Uncertain significance. Last evaluated: 2025-09-01. Review status: criteria provided, single submitter. Criteria: CeGaT Center For Human Genetics Tuebingen Variant Classification Criteria Version 2. Collection method: clinical testing. Allele origin: germline. Affected: yes. Observed: 1 variant allele.
Comment: CUBN: PM2

Labcorp Genetics (formerly Invitae), Labcorp
Classification: Uncertain significance for Imerslund-Grasbeck syndrome. Last evaluated: 2020-08-20. Review status: criteria provided, single submitter. Criteria: Invitae Variant Classification Sherloc (09022015). Collection method: clinical testing. Allele origin: germline.
Comment: This sequence change replaces asparagine with histidine at codon 2581 of the CUBN protein (p.Asn2581His). The asparagine residue is moderately conserved and there is a small physicochemical difference between asparagine and histidine. This variant is present in population databases (rs762764264, ExAC 0.05%). This variant has not been reported in the literature in individuals with CUBN-related conditions. Algorithms developed to predict the effect of missense changes on protein structure and function (SIFT, PolyPhen-2, Align-GVGD) all suggest that this variant is likely to be tolerated, but these predictions have not been confirmed by published functional studies and their clinical significance is uncertain. In summary, the available evidence is currently insufficient to determine the role of this variant in disease. Therefore, it has been classified as a Variant of Uncertain Significance.

NM_001081.4(CUBN):c.7741A>C (p.Asn2581His)

Gene: CUBN (cubilin; minus strand). Cytogenetic location: 10p13.
Variant type: single nucleotide variant.
Coding change: c.7741A>C on transcript NM_001081.4 (MANE Select); coding-DNA position 7741, A replaced by C.
Protein change: p.Asn2581His; replaces asparagine 2581 with histidine.
Molecular consequence: missense variant.
Genome position (GRCh38, 1-based): chr10:16,906,374, T>G on the plus strand (A>C on the coding strand, the complement: CUBN is on the minus strand). VCF-style: chr10-16906374-T-G. GRCh37 (hg19) VCF-style: chr10-16948373-T-G.
Other names: short protein forms N2581H.
Identifiers: ClinVar variation 1006358 (VCV001006358.16), dbSNP rs762764264, ClinGen allele CA5423252.